The following is an entry in ClinVar:

ClinVar aggregate classification (germline): Uncertain significance (1 of 4 stars; one submission).

gnomAD v4.1: 1 of 1,613,820 alleles (0.000062%); highest among the groups gnomAD compares: Non-Finnish European, 0.000085%; no homozygotes.

Submission:

GeneDx
Classification: Uncertain significance. Last evaluated: 2017-09-05. Review status: criteria provided, single submitter. Criteria: GeneDx Variant Classification (06012015). Collection method: clinical testing. Allele origin: germline. Affected: yes.
Comment: The T1571S variant has not been published as a pathogenic variant, nor has it been reported as a benign variant to our knowledge. The T1571S variant is not observed in large population cohorts (Lek et al., 2016; 1000 Genomes Consortium et al., 2015; Exome Variant Server). The T1571S variant is a conservative amino acid substitution, which is not likely to impact secondary protein structure as these residues share similar properties. This substitution occurs at a position where amino acids with similar properties to Threonine are tolerated across species. In silico analysis is inconsistent in its predictions as to whether or not the variant is damaging to the protein structure/function. Therefore, based on the currently available information, it is unclear whether this variant is a pathogenic variant or a rare benign variant.

NM_001127222.2(CACNA1A):c.4708A>T (p.Thr1570Ser)

Gene: CACNA1A (calcium voltage-gated channel subunit alpha1 A; minus strand). Cytogenetic location: 19p13.13.
Variant type: single nucleotide variant.
Coding change: c.4708A>T on transcript NM_001127222.2 (MANE Select); coding-DNA position 4708, A replaced by T.
Protein change: p.Thr1570Ser; replaces threonine 1570 with serine.
Molecular consequence: missense variant.
Genome position (GRCh38, 1-based): chr19:13,255,142, T>A on the plus strand (A>T on the coding strand, the complement: CACNA1A is on the minus strand). VCF-style: chr19-13255142-T-A. GRCh37 (hg19) VCF-style: chr19-13365956-T-A.
Other names: c.4720A>T, p.Thr1574Ser (NM_000068.4, NM_023035.3); c.4711A>T, p.Thr1571Ser (NM_001127221.2, NM_001174080.2); short protein forms T1571S, T1570S, T1574S.
Identifiers: ClinVar variation 451757 (VCV000451757.2), dbSNP rs750368591, ClinGen allele CA404338420.